The following is an entry in ClinVar:

NM_004187.5(KDM5C):c.4394G>A (p.Arg1465Gln)

Gene: KDM5C (lysine demethylase 5C; minus strand). Cytogenetic location: Xp11.22.
Variant type: single nucleotide variant.
Coding change: c.4394G>A on transcript NM_004187.5 (MANE Select); coding-DNA position 4394, G replaced by A.
Protein change: p.Arg1465Gln; replaces arginine 1465 with glutamine.
Molecular consequence: missense variant. On other transcripts: intron variant (5).
Genome position (GRCh38, 1-based): chrX:53,193,256, C>T on the plus strand (G>A on the coding strand, the complement: KDM5C is on the minus strand). VCF-style: chrX-53193256-C-T. GRCh37 (hg19) VCF-style: chrX-53222438-C-T.
Other names: c.4391G>A, p.Arg1464Gln (NM_001282622.3); c.4385G>A, p.Arg1462Gln (NM_001353978.3); c.4305+181G>A (NM_001353982.2); c.4314+181G>A (NM_001353979.2); c.4308+181G>A (NM_001353981.2, NM_001353984.2); c.4046+242G>A (NM_001146702.2); short protein forms R1464Q, R1465Q, R1462Q.
Identifiers: ClinVar variation 654931 (VCV000654931.8), dbSNP rs1184598695, ClinGen allele CA413104792.

ClinVar aggregate classification (germline): Uncertain significance (1 of 4 stars; one submission).

Conditions:
Spastic paraplegia. Identifiers: MedGen C0037772, HP:0001258.

Allele frequency attached by ClinVar (database versions not stated): gnomAD exomes below 0.00001.
gnomAD v4.1: 3 of 1,209,414 alleles (0.00025%); highest among the groups gnomAD compares: South Asian, 0.0018%; no homozygotes.

Submission:

Labcorp Genetics (formerly Invitae), Labcorp
Classification: Uncertain significance for Spastic paraplegia. Last evaluated: 2022-08-16. Review status: criteria provided, single submitter. Criteria: Invitae Variant Classification Sherloc (09022015). Collection method: clinical testing. Allele origin: germline.
Comment: Advanced modeling of protein sequence and biophysical properties (such as structural, functional, and spatial information, amino acid conservation, physicochemical variation, residue mobility, and thermodynamic stability) performed at Invitae indicates that this missense variant is not expected to disrupt KDM5C protein function. ClinVar contains an entry for this variant (Variation ID: 654931). This variant is not present in population databases (gnomAD no frequency). This variant has not been reported in the literature in individuals affected with KDM5C-related conditions. In summary, the available evidence is currently insufficient to determine the role of this variant in disease. Therefore, it has been classified as a Variant of Uncertain Significance. This sequence change replaces arginine, which is basic and polar, with glutamine, which is neutral and polar, at codon 1465 of the KDM5C protein (p.Arg1465Gln).